The following is an entry in ClinVar:

NM_000329.3(RPE65):c.938A>C (p.His313Pro)

Gene: RPE65 (retinoid isomerohydrolase RPE65; minus strand). Cytogenetic location: 1p31.3.
Variant type: single nucleotide variant.
Coding change: c.938A>C on transcript NM_000329.3 (MANE Select); coding-DNA position 938, A replaced by C.
Protein change: p.His313Pro; replaces histidine 313 with proline.
Molecular consequence: missense variant.
Genome position (GRCh38, 1-based): chr1:68,439,002, T>G on the plus strand (A>C on the coding strand, the complement: RPE65 is on the minus strand). VCF-style: chr1-68439002-T-G. GRCh37 (hg19) VCF-style: chr1-68904685-T-G.
Other names: c.938A>C (NM_000329.2); short protein forms H313P.
Identifiers: ClinVar variation 1180616 (VCV001180616.2), dbSNP rs1375943362, ClinGen allele CA340744823.

ClinVar aggregate classification (germline): Likely pathogenic. Review status: criteria provided, multiple submitters, no conflicts (2 of 4 stars). 2 submissions from 2 submitters: Likely pathogenic (2). Last evaluated 2025-09-24.

Conditions:
Leber congenital amaurosis (LCA). Also called: Leber's amaurosis. Identifiers: Orphanet 65, MedGen C0339527, MeSH D057130, MONDO:0018998.
Abnormality of the eye. Identifiers: MedGen C4316870, HP:0000478.

Submissions (2):

Natera, Inc.
Classification: Likely pathogenic for Leber congenital amaurosis. Last evaluated: 2025-09-24. Review status: criteria provided, single submitter. Criteria: Natera Variant Classification Schema (03/2026). Collection method: clinical testing. Allele origin: germline.
Comment: The c.938A>C variant in RPE65 is a missense variant predicted to cause substitution of histidine to proline at amino acid 313. This variant is rare in the general population with a frequency below the threshold expected for the associated phenotype(s). This variant is located in a functionally critical region of the protein. A different variant at the same position has been determined to be Pathogenic or Likely Pathogenic. Computational prediction algorithms indicate this variant is likely to affect gene or protein function. Given the available evidence, this variant is classified as Likely Pathogenic.

Kariminejad - Najmabadi Pathology & Genetics Center
Classification: Likely pathogenic for Abnormality of the eye. Last evaluated: 2021-07-10. Review status: criteria provided, single submitter. Criteria: ACMG Guidelines, 2015. Collection method: clinical testing. Allele origin: germline. Affected: yes.